The following is an entry in ClinVar:

ClinVar aggregate classification (germline): Uncertain significance (1 of 4 stars; one submission).

Conditions:
PHIP-related disorder. Also called: PHIP-related condition; PHIP-related disorders.

Submission:

PreventionGenetics, part of Exact Sciences
Classification: Uncertain significance for PHIP-related condition. Last evaluated: 2026-03-09. Review status: criteria provided, single submitter. Criteria: ACMG Guidelines, 2015. Collection method: clinical testing. Allele origin: germline.
Comment: The PHIP c.3707_3708delinsAC variant is predicted to result in an in-frame deletion and insertion. To our knowledge, this variant has not been reported in the literature or in a large population database (gnomAD), indicating this variant is rare. At this time, the clinical significance of this variant is uncertain due to the absence of conclusive functional and genetic evidence.

NM_017934.7(PHIP):c.3707_3708delinsAC (p.Arg1236His)

Genes: IRAK1BP1 (interleukin 1 receptor associated kinase 1 binding protein 1; plus strand), PHIP (PHIP subunit of CUL4-Ring ligase complex; minus strand). Cytogenetic location: 6q14.1.
Variant type: Indel.
Coding change: c.3707_3708delinsAC on transcript NM_017934.7 (MANE Select); coding-DNA positions 3707 to 3708, GA replaced by AC.
Protein change: p.Arg1236His; replaces arginine 1236 with histidine.
Molecular consequence: missense variant.
Genome position (GRCh38, 1-based): chr6:78,958,549-78,958,550, TC replaced by GT on the plus strand (GA replaced by AC on the coding strand, the reverse complement: PHIP is on the minus strand). VCF-style: chr6-78958549-TC-GT. GRCh37 (hg19) VCF-style: chr6-79668266-TC-GT.
Other names: short protein forms R1236H.
Identifiers: ClinVar variation 4996271 (VCV004996271.1).